The following is an entry in ClinVar:

NM_001165963.4(SCN1A):c.2905C>T (p.Leu969Phe)

Gene: SCN1A (sodium voltage-gated channel alpha subunit 1; minus strand). Cytogenetic location: 2q24.3.
Variant type: single nucleotide variant.
Coding change: c.2905C>T on transcript NM_001165963.4 (MANE Select); coding-DNA position 2905, C replaced by T.
Protein change: p.Leu969Phe; replaces leucine 969 with phenylalanine.
Molecular consequence: missense variant. On other transcripts: non-coding transcript variant (1).
Genome position (GRCh38, 1-based): chr2:166,037,817, G>A on the plus strand (C>T on the coding strand, the complement: SCN1A is on the minus strand). VCF-style: chr2-166037817-G-A. GRCh37 (hg19) VCF-style: chr2-166894327-G-A.
Other names: c.2872C>T, p.Leu958Phe (NM_001353951.2, NM_001353952.2, NM_006920.6 and 2 more transcripts); c.2869C>T, p.Leu957Phe (NM_001353954.2, NM_001353955.2); c.2821C>T, p.Leu941Phe (NM_001353957.2, NM_001353958.2, NM_001165964.3); c.2818C>T, p.Leu940Phe (NM_001353960.2); c.463C>T, p.Leu155Phe (NM_001353961.2); c.2905C>T, p.Leu969Phe (NM_001202435.3, NM_001353948.2); short protein forms L155F, L940F, L941F, L957F, L958F, L969F.
Identifiers: ClinVar variation 4538581 (VCV004538581.2).

ClinVar aggregate classification (germline): Likely pathogenic (1 of 4 stars; one submission).

Submission:

GeneDx
Classification: Likely pathogenic. Last evaluated: 2026-01-05. Review status: criteria provided, single submitter. Criteria: GeneDx Variant Classification Process June 2021. Collection method: clinical testing. Allele origin: germline.
Comment: Not observed at significant frequency in large population cohorts (gnomAD); In silico analysis supports that this missense variant has a deleterious effect on protein structure/function; This substitution is predicted to be within the extracellular loop between the S5 and S6 transmembrane segments of the second homologous domain; Has not been previously published as pathogenic or benign to our knowledge